The following is an entry in ClinVar:

NM_004329.3(BMPR1A):c.1166+19C>T

Gene: BMPR1A (bone morphogenetic protein receptor type 1A; plus strand). Cytogenetic location: 10q23.2.
Variant type: single nucleotide variant.
Coding change: c.1166+19C>T on transcript NM_004329.3 (MANE Select); 19 bases into the intron after coding-DNA position 1166, C replaced by T.
Molecular consequence: intron variant.
Genome position (GRCh38, 1-based): chr10:86,919,488, C>T. VCF-style: chr10-86919488-C-T. GRCh37 (hg19) VCF-style: chr10-88679245-C-T.
Identifiers: ClinVar variation 385596 (VCV000385596.10), dbSNP rs1057522268, ClinGen allele CA16605714.

ClinVar aggregate classification (germline): Likely benign. Review status: criteria provided, multiple submitters, no conflicts (2 of 4 stars). 3 submissions from 3 submitters: Likely benign (3). Last evaluated 2026-01-16.

Conditions:
Juvenile polyposis syndrome (JPS). Identifiers: Orphanet 2929, MedGen C0345893, MONDO:0017380, OMIM 174900.

Allele frequency attached by ClinVar (database versions not stated): gnomAD exomes below 0.00001.
gnomAD v4.1: 3 of 1,612,464 alleles (0.00019%); highest among the groups gnomAD compares: African/African-American, 0.004%; no homozygotes.

Submissions (3):

Labcorp Genetics (formerly Invitae), Labcorp
Classification: Likely benign for Juvenile polyposis syndrome. Last evaluated: 2026-01-16. Review status: criteria provided, single submitter. Criteria: Invitae Variant Classification Sherloc (09022015). Collection method: clinical testing. Allele origin: germline.

Blueprint Genetics
Classification: Likely benign. Last evaluated: 2019-12-03. Review status: criteria provided, single submitter. Criteria: ACMG Guidelines, 2015. Collection method: clinical testing. Allele origin: germline.

GeneDx
Classification: Likely benign. Last evaluated: 2016-04-12. Review status: criteria provided, single submitter. Criteria: GeneDx Variant Classification (06012015). Collection method: clinical testing. Allele origin: germline. Affected: yes.
Comment: This variant is considered likely benign or benign based on one or more of the following criteria: it is a conservative change, it occurs at a poorly conserved position in the protein, it is predicted to be benign by multiple in silico algorithms, and/or has population frequency not consistent with disease.